The following is an entry in ClinVar:

NM_005236.3(ERCC4):c.2249G>A (p.Arg750His)

Gene: ERCC4 (ERCC excision repair 4, endonuclease catalytic subunit; plus strand). Cytogenetic location: 16p13.12.
Variant type: single nucleotide variant.
Coding change: c.2249G>A on transcript NM_005236.3 (MANE Select); coding-DNA position 2249, G replaced by A.
Protein change: p.Arg750His; replaces arginine 750 with histidine.
Molecular consequence: missense variant.
Genome position (GRCh38, 1-based): chr16:13,947,845, G>A. VCF-style: chr16-13947845-G-A. GRCh37 (hg19) VCF-style: chr16-14041702-G-A.
Other names: short protein forms R750H.
Identifiers: ClinVar variation 998307 (VCV000998307.1), dbSNP rs748870665, ClinGen allele CA7910711.
Genomic context (GRCh38, chr16:13,947,845, plus strand): 5'-GTGATTTAATCGGCTCTTTAAATAACGGCCGCCTCTACAGCCAGTGCATCTCCATGTCCC[G>A]CTACTACAAGCGTCCCGTGCTTCTGATTGAGTTTGACCCTAGCAAGCCTTTCTCTCTCAC-3'
Protein context (NP_005227.1, residues 740-760): RLYSQCISMS[Arg750His]YYKRPVLLIE

ClinVar aggregate classification (germline): Uncertain significance (1 of 4 stars; one submission).

Conditions:
Fanconi anemia complementation group Q. Identifiers: Orphanet 84, MedGen C3808988, MONDO:0014108, OMIM 615272.

Allele frequency attached by ClinVar (database versions not stated): ExAC 0.00001; gnomAD exomes below 0.00001.
gnomAD v4.1: 6 of 1,614,112 alleles (0.00037%); highest among the groups gnomAD compares: Non-Finnish European, 0.00025%; no homozygotes.

Submission:

Baylor Genetics
Classification: Uncertain significance for Fanconi anemia complementation group Q. Last evaluated: 2019-01-28. Review status: criteria provided, single submitter. Criteria: ACMG Guidelines, 2015. Collection method: clinical testing. Allele origin: unknown. Affected: yes. Study: CSER-TexasKidsCanSeq.
Comment: This variant was determined to be of uncertain significance according to ACMG Guidelines, 2015 [PMID:25741868].